The following is an entry in ClinVar:

ClinVar aggregate classification (germline): Benign. Review status: criteria provided, multiple submitters, no conflicts (2 of 4 stars). 8 submissions from 8 submitters: Benign (5). 3 of the submissions do not count toward it. Last evaluated 2026-01-26.

Conditions:
Cowden syndrome 6 (CWS6). Identifiers: Orphanet 201, MedGen C3554519, MONDO:0014048, OMIM 615109.

Allele frequency attached by ClinVar (database versions not stated): gnomAD exomes 0.00969; ExAC 0.01157; gnomAD 0.03628 and 0.03899; 1000 Genomes Project 0.03794; TOPMed 0.04132; 1000 Genomes Project 30x 0.04185; ESP Exome Variant Server 0.04260.

Submissions (8):

Labcorp Genetics (formerly Invitae), Labcorp
Classification: Benign for Cowden syndrome 6. Last evaluated: 2026-01-26. Review status: criteria provided, single submitter. Criteria: Invitae Variant Classification Sherloc (09022015). Collection method: clinical testing. Allele origin: germline.

CeGaT Center for Human Genetics Tuebingen
Classification: Benign. Last evaluated: 2025-07-01. Review status: criteria provided, single submitter. Criteria: CeGaT Center For Human Genetics Tuebingen Variant Classification Criteria Version 2. Collection method: clinical testing. Allele origin: germline. Affected: yes. Observed: 1 variant allele.
Comment: AKT1: BS1, BS2

KCCC/NGS Laboratory, Kuwait Cancer Control Center
Classification: Benign for Cowden syndrome 6. Last evaluated: 2023-07-07. Review status: criteria provided, single submitter. Criteria: ACMG Guidelines, 2015. Collection method: clinical testing. Allele origin: germline. Affected: yes.

GeneDx
Classification: Benign. Last evaluated: 2019-04-03. Review status: criteria provided, single submitter. Criteria: GeneDx Variant Classification Process June 2021. Collection method: clinical testing. Allele origin: germline. Affected: yes.

Breakthrough Genomics
Classification: Benign. Review status: criteria provided, single submitter. Criteria: ACMG Guidelines, 2015. Collection method: not provided. Allele origin: germline. Inheritance: Autosomal dominant inheritance. Affected: yes.

Clinical Genetics DNA and cytogenetics Diagnostics Lab, Erasmus MC, Erasmus Medical Center
Classification: Benign. Review status: no assertion criteria provided. Collection method: clinical testing. Allele origin: germline. Affected: yes. Study: VKGL Data-share Consensus. Not counted in ClinVar's aggregate classification.

Clinical Genetics, Academic Medical Center
Classification: Benign. Review status: no assertion criteria provided. Collection method: clinical testing. Allele origin: germline. Affected: yes. Study: VKGL Data-share Consensus. Not counted in ClinVar's aggregate classification.

Genome Diagnostics Laboratory, Amsterdam University Medical Center
Classification: Benign. Review status: no assertion criteria provided. Collection method: clinical testing. Allele origin: germline. Affected: yes. Study: VKGL Data-share Consensus. Not counted in ClinVar's aggregate classification.

NM_001382430.1(AKT1):c.604C>T (p.Leu202=)

Gene: AKT1 (AKT serine/threonine kinase 1; minus strand). Cytogenetic location: 14q32.33.
Variant type: single nucleotide variant.
Coding change: c.604C>T on transcript NM_001382430.1 (MANE Select); coding-DNA position 604, C replaced by T.
Protein change: p.Leu202=; no amino-acid change (leucine 202 retained).
Molecular consequence: synonymous variant.
Genome position (GRCh38, 1-based): chr14:104,774,967, G>A on the plus strand (C>T on the coding strand, the complement: AKT1 is on the minus strand). VCF-style: chr14-104774967-G-A. GRCh37 (hg19) VCF-style: chr14-105241304-G-A.
Other names: c.604C>T (NM_001014431.1); c.604C>T, p.Leu202= (NM_001014431.2, NM_001014432.2, NM_001382431.1 and 3 more transcripts).
Identifiers: ClinVar variation 416469 (VCV000416469.25), dbSNP rs2230506, ClinGen allele CA7374727.